The following is an entry in ClinVar:

NM_000548.5(TSC2):c.138+6T>C

Gene: TSC2 (TSC complex subunit 2; plus strand). Cytogenetic location: 16p13.3.
Variant type: single nucleotide variant.
Coding change: c.138+6T>C on transcript NM_000548.5 (MANE Select); 6 bases into the intron after coding-DNA position 138, T replaced by C.
Molecular consequence: intron variant.
Genome position (GRCh38, 1-based): chr16:2,048,759, T>C. VCF-style: chr16-2048759-T-C. GRCh37 (hg19) VCF-style: chr16-2098760-T-C.
Other names: c.138+6T>C (NM_001114382.3, NM_021055.3, NM_001370405.1 and 4 more transcripts); c.-89+6T>C (NM_001318831.2); c.-10+694T>C (NM_001318829.2); c.171+6T>C (NM_001318832.2).
Identifiers: ClinVar variation 651316 (VCV000651316.9), dbSNP rs1252109762, ClinGen allele CA620704769.

ClinVar aggregate classification (germline): Conflicting classifications of pathogenicity. Review status: criteria provided, conflicting classifications (1 of 4 stars). 2 submissions from 2 submitters: Uncertain significance (1); Likely benign (1). Last evaluated 2025-12-17.

Conditions:
Tuberous sclerosis syndrome (TSC). Also called: Tuberous sclerosis; Tuberous Sclerosis Complex. Identifiers: Orphanet 805, MedGen C0041341, MONDO:0001734.
Tuberous sclerosis 2 (TSC2). Identifiers: Orphanet 805, MedGen C1860707, MONDO:0013199, OMIM 613254.

Allele frequency attached by ClinVar (database versions not stated): gnomAD exomes 0.00001.
gnomAD v4.1: 8 of 1,613,684 alleles (0.0005%); highest among the groups gnomAD compares: Non-Finnish European, 0.00068%; no homozygotes.

Submissions (2):

Labcorp Genetics (formerly Invitae), Labcorp
Classification: Likely benign for Tuberous sclerosis 2. Last evaluated: 2025-12-17. Review status: criteria provided, single submitter. Criteria: Invitae Variant Classification Sherloc (09022015). Collection method: clinical testing. Allele origin: germline.

Color Diagnostics, LLC DBA Color Health
Classification: Uncertain significance for Tuberous sclerosis syndrome. Last evaluated: 2025-08-13. Review status: criteria provided, single submitter. Criteria: ACMG Guidelines, 2015. Collection method: clinical testing. Allele origin: germline.
Comment: This variant causes a T to C nucleotide substitution at the +6 position of intron 2 of the TSC2 gene. To our knowledge, functional studies have not been reported for this variant. This variant has not been reported in individuals affected with TSC2-related disorders in the literature. This variant has been identified in 2/251082 chromosomes in the general population by the Genome Aggregation Database (gnomAD). The available evidence is insufficient to determine the role of this variant in disease conclusively. Therefore, this variant is classified as a Variant of Uncertain Significance.